The following is an entry in ClinVar:

ClinVar aggregate classification (germline): Conflicting classifications of pathogenicity. Review status: criteria provided, conflicting classifications (1 of 4 stars). 8 submissions from 8 submitters: Uncertain significance (7); Likely benign (1). Last evaluated 2026-01-26.

Conditions:
Multiple endocrine neoplasia, type 2 (MEN2). Identifiers: Orphanet 653, MedGen C4048306, MONDO:0019003. Disease mechanism: gain of function.
Familial medullary thyroid carcinoma (MTC). Also called: Familial Medullary Thyroid Carcinoma (FMTC); Thyroid cancer, familial medullary; MTC, familial. Identifiers: Orphanet 653, Orphanet 99361, MedGen C1833921, MONDO:0007958, OMIM 155240.
Pheochromocytoma. Also called: MAX-Related Hereditary Paraganglioma-Pheochromocytoma Syndrome. Identifiers: Orphanet 29072, MedGen C0031511, MONDO:0008233, OMIM 171300, HP:0002666.
Multiple endocrine neoplasia type 2A. Also called: Multiple Endocrine Neoplasia Type 2A (MEN2A); MULTIPLE ENDOCRINE NEOPLASIA, TYPE IIA; PTC SYNDROME; SIPPLE SYNDROME; MEN 2A; MEN-2A syndrome. Identifiers: Orphanet 247698, Orphanet 653, MedGen C0025268, MeSH D018813, MONDO:0008234, OMIM 171400.
Hirschsprung disease, susceptibility to, 1 (HSCR1). Also called: RET-Related Hirschsprung Disease. Identifiers: Orphanet 388, MedGen C3888239, MONDO:0007723, OMIM 142623.
Multiple endocrine neoplasia type 2B. Also called: WAGENMANN-FROBOESE SYNDROME; MULTIPLE ENDOCRINE NEOPLASIA, TYPE III; MUCOSAL NEUROMA SYNDROME; Multiple Endocrine Neoplasia Type 2B (MEN2B); Multiple endocrine neoplasia, type 3; MULTIPLE ENDOCRINE NEOPLASIA, TYPE IIB. Identifiers: Orphanet 247709, Orphanet 653, MedGen C0025269, MeSH D018814, MONDO:0008082, OMIM 162300.
RET-related disorder. Also called: RET-related disorders; RET-related condition; RET-related disease.
Hereditary cancer-predisposing syndrome. Also called: Hereditary Cancer Syndrome; Hereditary neoplastic syndrome; Tumor predisposition; Neoplastic Syndromes, Hereditary. Identifiers: Orphanet 140162, MedGen C0027672, MeSH D009386, MONDO:0015356.

Allele frequency attached by ClinVar (database versions not stated): ExAC 0.00001; gnomAD exomes 0.00002; gnomAD 0.00005; ESP Exome Variant Server 0.00008; TOPMed 0.00009.
gnomAD v4.1: 21 of 1,614,004 alleles (0.0013%); highest among the groups gnomAD compares: African/African-American, 0.019%; no homozygotes.

Submissions (8):

Labcorp Genetics (formerly Invitae), Labcorp
Classification: Uncertain significance for Multiple endocrine neoplasia, type 2. Last evaluated: 2026-01-26. Review status: criteria provided, single submitter. Criteria: Invitae Variant Classification Sherloc (09022015). Collection method: clinical testing. Allele origin: germline.
Comment: This sequence change replaces asparagine, which is neutral and polar, with serine, which is neutral and polar, at codon 151 of the RET protein (p.Asn151Ser). This variant is present in population databases (rs150261092, gnomAD 0.02%). This missense change has been observed in individual(s) with breast cancer (PMID: 35264596, 35534704). ClinVar contains an entry for this variant (Variation ID: 486321). An algorithm developed to predict the effect of missense changes on protein structure and function (PolyPhen-2) suggests that this variant is likely to be tolerated. In summary, the available evidence is currently insufficient to determine the role of this variant in disease. Therefore, it has been classified as a Variant of Uncertain Significance.

PreventionGenetics, part of Exact Sciences
Classification: Uncertain significance for RET-related condition. Last evaluated: 2024-10-30. Review status: criteria provided, single submitter. Criteria: ACMG Guidelines, 2015. Collection method: clinical testing. Allele origin: germline.
Comment: The RET c.452A>G variant is predicted to result in the amino acid substitution p.Asn151Ser. This variant has been reported as a variant of uncertain significance in an individual with breast cancer (Supplementary Table 3, Guindalini et al. 2022. PubMed ID: 35264596). This variant is reported in 0.016% of alleles in individuals of African descent in gnomAD and has conflicting interpretations regarding its pathogenicity in ClinVar, ranging from likely benign to uncertain. At this time, the clinical significance of this variant is uncertain due to the absence of conclusive functional and genetic evidence.

Color Diagnostics, LLC DBA Color Health
Classification: Uncertain significance for Multiple endocrine neoplasia, type 2. Last evaluated: 2024-07-19. Review status: criteria provided, single submitter. Criteria: ACMG Guidelines, 2015. Collection method: clinical testing. Allele origin: germline.
Comment: This missense variant replaces asparagine with serine at codon 151 of the RET protein. Computational prediction suggests that this variant may not impact protein structure and function. To our knowledge, functional studies have not been reported for this variant. This variant has not been reported in individuals affected with RET-related disorders in the literature. This variant has been identified in 7/282828 chromosomes in the general population by the Genome Aggregation Database (gnomAD). The available evidence is insufficient to determine the role of this variant in disease conclusively. Therefore, this variant is classified as a Variant of Uncertain Significance.

Fulgent Genetics
Classification: Uncertain significance for Hirschsprung disease, susceptibility to, 1; Familial medullary thyroid carcinoma; Multiple endocrine neoplasia type 2B; Pheochromocytoma; Multiple endocrine neoplasia type 2A. Last evaluated: 2024-06-19. Review status: criteria provided, single submitter. Criteria: ACMG Guidelines, 2015. Collection method: clinical testing. Allele origin: germline.

Baylor Genetics
Classification: Uncertain significance for Hirschsprung disease, susceptibility to, 1. Last evaluated: 2024-03-13. Review status: criteria provided, single submitter. Criteria: ACMG Guidelines, 2015. Collection method: clinical testing. Allele origin: unknown.

GeneDx
Classification: Uncertain significance. Last evaluated: 2023-10-17. Review status: criteria provided, single submitter. Criteria: GeneDx Variant Classification Process June 2021. Collection method: clinical testing. Allele origin: germline. Affected: yes.
Comment: In silico analysis supports that this missense variant does not alter protein structure/function; Observed in an individual with breast cancer (PMID: 35264596); This variant is associated with the following publications: (PMID: 24336963, 14633923, 35264596)

Ambry Genetics
Classification: Likely benign for Hereditary cancer-predisposing syndrome. Last evaluated: 2023-07-03. Review status: criteria provided, single submitter. Criteria: Ambry Variant Classification Scheme 2023. Collection method: clinical testing. Allele origin: germline.

Mendelics
Classification: Uncertain significance for Multiple endocrine neoplasia, type 2a. Last evaluated: 2018-07-02. Review status: criteria provided, single submitter. Criteria: Mendelics Assertion Criteria 2017. Collection method: clinical testing. Allele origin: unknown.

Literature cited by the submitters: PubMed 35264596 (cited by Labcorp Genetics (formerly Invitae), Labcorp); PubMed 35534704 (cited by Labcorp Genetics (formerly Invitae), Labcorp).

NM_020975.6(RET):c.452A>G (p.Asn151Ser)

Gene: RET (ret proto-oncogene; plus strand). Cytogenetic location: 10q11.21.
Variant type: single nucleotide variant.
Coding change: c.452A>G on transcript NM_020975.6 (MANE Select); coding-DNA position 452, A replaced by G.
Protein change: p.Asn151Ser; replaces asparagine 151 with serine.
Molecular consequence: missense variant.
Genome position (GRCh38, 1-based): chr10:43,102,456, A>G. VCF-style: chr10-43102456-A-G. GRCh37 (hg19) VCF-style: chr10-43597904-A-G.
Other names: c.452A>G, p.Asn151Ser (NM_000323.2, NM_001406743.1, NM_001406744.1 and 16 more transcripts); short protein forms N151S.
Identifiers: ClinVar variation 486321 (VCV000486321.27), dbSNP rs150261092, ClinGen allele CA043742.